The following is an entry in ClinVar:

ClinVar aggregate classification (germline): Uncertain significance (1 of 4 stars; one submission).

Conditions:
Hereditary cancer-predisposing syndrome. Also called: Hereditary Cancer Syndrome; Neoplastic Syndromes, Hereditary; Tumor predisposition; Hereditary neoplastic syndrome. Identifiers: Orphanet 140162, MedGen C0027672, MeSH D009386, MONDO:0015356.

Submission:

Ambry Genetics
Classification: Uncertain significance for Hereditary cancer-predisposing syndrome. Last evaluated: 2025-12-03. Review status: criteria provided, single submitter. Criteria: Ambry Variant Classification Scheme 2023. Collection method: clinical testing. Allele origin: germline.
Comment: The p.K2465T variant (also known as c.7394A>C), located in coding exon 49 of the ATM gene, results from an A to C substitution at nucleotide position 7394. The lysine at codon 2465 is replaced by threonine, an amino acid with similar properties. This amino acid position is conserved. In addition, the in silico prediction for this alteration is inconclusive. Based on the available evidence, the clinical significance of this variant remains unclear.

NM_000051.4(ATM):c.7394A>C (p.Lys2465Thr)

Genes: ATM (ATM serine/threonine kinase; plus strand), C11orf65 (chromosome 11 open reading frame 65; minus strand). Cytogenetic location: 11q22.3.
Variant type: single nucleotide variant.
Coding change: c.7394A>C on transcript NM_000051.4 (MANE Select); coding-DNA position 7394, A replaced by C.
Protein change: p.Lys2465Thr; replaces lysine 2465 with threonine.
Molecular consequence: missense variant. On other transcripts: intron variant (2).
Genome position (GRCh38, 1-based): chr11:108,330,300, A>C. VCF-style: chr11-108330300-A-C. GRCh37 (hg19) VCF-style: chr11-108201027-A-C.
Other names: c.7394A>C, p.Lys2465Thr (NM_001351834.2); c.641-21229T>G (NM_001330368.2); c.*38+4920T>G (NM_001351110.2); short protein forms K2465T.
Identifiers: ClinVar variation 4618677 (VCV004618677.1).